The following is an entry in ClinVar:

NM_138927.4(SON):c.5810G>T (p.Arg1937Leu)

Gene: SON (SON DNA and RNA binding protein; plus strand). Cytogenetic location: 21q22.11.
Variant type: single nucleotide variant.
Coding change: c.5810G>T on transcript NM_138927.4 (MANE Select); coding-DNA position 5810, G replaced by T.
Protein change: p.Arg1937Leu; replaces arginine 1937 with leucine.
Molecular consequence: missense variant. On other transcripts: non-coding transcript variant (1), intron variant (1).
Genome position (GRCh38, 1-based): chr21:33,555,041, G>T. VCF-style: chr21-33555041-G-T. GRCh37 (hg19) VCF-style: chr21-34927347-G-T.
Other names: c.5810G>T, p.Arg1937Leu (NM_001291411.2, NM_032195.3); c.245-2115G>T (NM_001291412.3); short protein forms R1937L.
Identifiers: ClinVar variation 3609450 (VCV003609450.2).

ClinVar aggregate classification (germline): Uncertain significance (1 of 4 stars; one submission).

Submission:

Labcorp Genetics (formerly Invitae), Labcorp
Classification: Uncertain significance. Last evaluated: 2024-03-25. Review status: criteria provided, single submitter. Criteria: Invitae Variant Classification Sherloc (09022015). Collection method: clinical testing. Allele origin: germline.
Comment: This sequence change replaces arginine, which is basic and polar, with leucine, which is neutral and non-polar, at codon 1937 of the SON protein (p.Arg1937Leu). This variant is not present in population databases (gnomAD no frequency). This variant has not been reported in the literature in individuals affected with SON-related conditions. Experimental studies and prediction algorithms are not available or were not evaluated, and the functional significance of this variant is currently unknown. In summary, the available evidence is currently insufficient to determine the role of this variant in disease. Therefore, it has been classified as a Variant of Uncertain Significance.